The following is an entry in ClinVar:

ClinVar aggregate classification (germline): Likely pathogenic. Review status: criteria provided, multiple submitters, no conflicts (2 of 4 stars). 3 submissions from 3 submitters: Likely pathogenic (2). 1 of the submissions does not count toward it. Last evaluated 2024-10-04.

Conditions:
Familial hemophagocytic lymphohistiocytosis (FHL). Also called: Familial erythrophagocytic lymphohistiocytosis; Familial histiocytic reticulosis; Hereditary hemophagocytic lymphohistiocytosis. Identifiers: Orphanet 158038, Orphanet 540, MedGen C0272199, MONDO:0015541.
Familial hemophagocytic lymphohistiocytosis 2 (FHL2). Also called: PRF1-Related Familial Hemophagocytic Lymphohistiocytosis (PRF1-fHLH). Identifiers: Orphanet 540, MedGen C1863727, MONDO:0011337, OMIM 603553.

Submissions (3):

Dubai Health Genomic Medicine Center, Dubai Health
Classification: Likely pathogenic for Hemophagocytic lymphohistiocytosis. Last evaluated: 2024-10-04. Review status: criteria provided, single submitter. Criteria: ACMG Guidelines, 2015. Collection method: research. Allele origin: germline. Affected: yes.
Comment: PM3,PM2,PM4,PM1

GeneDx
Classification: Likely pathogenic. Last evaluated: 2023-03-14. Review status: criteria provided, single submitter. Criteria: GeneDx Variant Classification Process June 2021. Collection method: clinical testing. Allele origin: germline. Affected: yes.
Comment: Not observed at significant frequency in large population cohorts (gnomAD); In silico analysis supports a deleterious effect on protein structure/function; In-frame deletion of 3 amino acids in a non-repeat region; This variant is associated with the following publications: (PMID: 15609274)

Department of Genetics, Sultan Qaboos University Hospital
Classification: Pathogenic for Familial hemophagocytic lymphohistiocytosis 2. Last evaluated: 2024-06-12. Review status: no assertion criteria provided. Collection method: curation. Allele origin: unknown. Affected: yes. Not counted in ClinVar's aggregate classification.

NM_001083116.3(PRF1):c.851_862del (p.Lys284_Lys287del)

Gene: PRF1 (perforin 1; minus strand). Cytogenetic location: 10q22.1.
Variant type: Deletion.
Coding change: c.851_862del on transcript NM_001083116.3 (MANE Select); coding-DNA positions 851 to 862, 12 bases deleted (AGAAGCACAAGA).
Protein change: p.Lys284_Lys287del.
Molecular consequence: inframe deletion.
Genome position (GRCh38, 1-based): chr10:70,598,859-70,598,870, TCTTGTGCTTCT deleted on the plus strand (AGAAGCACAAGA on the coding strand, the reverse complement: PRF1 is on the minus strand); deleting any 12 consecutive bases within chr10:70,598,859-70,598,874 gives the same sequence; the c. name uses the placement nearest the transcript's 3' end. VCF-style (leftmost placement, unchanged base first): chr10-70598858-ATCTTGTGCTTCT-A. GRCh37 (hg19) VCF-style: chr10-72358614-ATCTTGTGCTTCT-A.
Other names: c.851_862del (NM_001083116.1); c.851_862del, p.Lys284_Lys287del (NM_005041.6).
Identifiers: ClinVar variation 623316 (VCV000623316.5), dbSNP rs1564724291, ClinGen allele CA913189797.